The following is an entry in ClinVar:

ClinVar aggregate classification (germline): Likely benign. Review status: criteria provided, multiple submitters, no conflicts (2 of 4 stars). 3 submissions from 3 submitters: Likely benign (3). Last evaluated 2025-08-01.

Conditions:
Hereditary cancer-predisposing syndrome. Also called: Hereditary Cancer Syndrome; Neoplastic Syndromes, Hereditary; Hereditary neoplastic syndrome; Tumor predisposition. Identifiers: Orphanet 140162, MedGen C0027672, MeSH D009386, MONDO:0015356.
Rhabdoid tumor predisposition syndrome 2 (RTPS2). Identifiers: Orphanet 231108, Orphanet 69077, MedGen C2750074, MONDO:0013224, OMIM 613325.

Allele frequency attached by ClinVar (database versions not stated): gnomAD exomes below 0.00001.
gnomAD v4.1: 3 of 1,613,794 alleles (0.00019%); highest among the groups gnomAD compares: South Asian, 0.0011%; no homozygotes.

Submissions (3):

CeGaT Center for Human Genetics Tuebingen
Classification: Likely benign. Last evaluated: 2025-08-01. Review status: criteria provided, single submitter. Criteria: CeGaT Center For Human Genetics Tuebingen Variant Classification Criteria Version 2. Collection method: clinical testing. Allele origin: germline. Affected: yes. Observed: 1 variant allele.
Comment: SMARCA4: BP4, BP7

Labcorp Genetics (formerly Invitae), Labcorp
Classification: Likely benign for Rhabdoid tumor predisposition syndrome 2. Last evaluated: 2024-04-17. Review status: criteria provided, single submitter. Criteria: Invitae Variant Classification Sherloc (09022015). Collection method: clinical testing. Allele origin: germline.

Ambry Genetics
Classification: Likely benign for Hereditary cancer-predisposing syndrome. Last evaluated: 2020-08-12. Review status: criteria provided, single submitter. Criteria: Ambry Variant Classification Scheme 2023. Collection method: clinical testing. Allele origin: germline.

NM_003072.5(SMARCA4):c.1263G>A (p.Val421=)

Gene: SMARCA4 (SWI/SNF related BAF chromatin remodeling complex subunit ATPase 4; plus strand). Cytogenetic location: 19p13.2.
Variant type: single nucleotide variant.
Coding change: c.1263G>A on transcript NM_003072.5 (MANE Select); coding-DNA position 1263, G replaced by A.
Protein change: p.Val421=; no amino-acid change (valine 421 retained).
Molecular consequence: synonymous variant. On other transcripts: non-coding transcript variant (1).
Genome position (GRCh38, 1-based): chr19:10,991,167, G>A. VCF-style: chr19-10991167-G-A. GRCh37 (hg19) VCF-style: chr19-11101843-G-A.
Other names: c.1263G>A, p.Val421= (NM_001128844.3, NM_001128845.2, NM_001128846.2 and 4 more transcripts).
Identifiers: ClinVar variation 733327 (VCV000733327.21), dbSNP rs1436279146, ClinGen allele CA505490063.